The following is an entry in ClinVar:

NM_001008537.3(NEXMIF):c.3107T>C (p.Ile1036Thr)

Gene: NEXMIF (neurite extension and migration factor; minus strand). Cytogenetic location: Xq13.3.
Variant type: single nucleotide variant.
Coding change: c.3107T>C on transcript NM_001008537.3 (MANE Select); coding-DNA position 3107, T replaced by C.
Protein change: p.Ile1036Thr; replaces isoleucine 1036 with threonine.
Molecular consequence: missense variant.
Genome position (GRCh38, 1-based): chrX:74,741,450, A>G on the plus strand (T>C on the coding strand, the complement: NEXMIF is on the minus strand). VCF-style: chrX-74741450-A-G. GRCh37 (hg19) VCF-style: chrX-73961285-A-G.
Other names: short protein forms I1036T.
Identifiers: ClinVar variation 1446564 (VCV001446564.6), dbSNP rs2147439702, ClinGen allele CA413666699.

ClinVar aggregate classification (germline): Uncertain significance (1 of 4 stars; one submission).

Submission:

Labcorp Genetics (formerly Invitae), Labcorp
Classification: Uncertain significance. Last evaluated: 2022-11-22. Review status: criteria provided, single submitter. Criteria: Invitae Variant Classification Sherloc (09022015). Collection method: clinical testing. Allele origin: germline.
Comment: In summary, the available evidence is currently insufficient to determine the role of this variant in disease. Therefore, it has been classified as a Variant of Uncertain Significance. Algorithms developed to predict the effect of missense changes on protein structure and function (SIFT, PolyPhen-2, Align-GVGD) all suggest that this variant is likely to be disruptive. ClinVar contains an entry for this variant (Variation ID: 1446564). This variant has not been reported in the literature in individuals affected with NEXMIF-related conditions. This variant is not present in population databases (gnomAD no frequency). This sequence change replaces isoleucine, which is neutral and non-polar, with threonine, which is neutral and polar, at codon 1036 of the NEXMIF protein (p.Ile1036Thr).